The following is an entry in ClinVar:

NM_022132.5(MCCC2):c.1546_1547insGGCCGGGCGCGGGGGCTCACGCTTGTAATCCCAGCACTTTGGGAGGCCGAGGCGGGTGGATCACGAGGTCGGGAGATNNNNNNNNNNAAAAAAAAAAAAAAAAAAAAAAGAAGTTTGAAGAGG (p.Glu515_Glu516insGlyProGlyAlaGlyAlaHisAlaCysAsnProSerThrLeuGlyGlyArgGlyGlyTrpIleThrArgSerGlyAspXaaXaaXaaXaaLysLysLysLysLysLysLysLysPheGluGlu)

Gene: MCCC2 (methylcrotonyl-CoA carboxylase subunit 2; plus strand). Cytogenetic location: 5q13.2.
Variant type: Microsatellite.
Coding change: c.1546_1547insGGCCGGGCGCGGGGGCTCACGCTTGTAATCCCAGCACTTTGGGAGGCCGAGGCGGGTGGATCACGAGGTCGGGAGATNNNNNNNNNNAAAAAAAAAAAAAAAAAAAAAAGAAGTTTGAAGAGG on transcript NM_022132.5 (MANE Select); coding-DNA positions 1546 to 1547, GGCCGGGCGCGGGGGCTCACGCTTGTAATCCCAGCACTTTGGGAGGCCGAGGCGGGTGGATCACGAGGTCGGGAGATNNNNNNNNNNAAAAAAAAAAAAAAAAAAAAAAGAAGTTTGAAGAGG inserted.
Protein change: p.Glu515_Glu516insGlyProGlyAlaGlyAlaHisAlaCysAsnProSerThrLeuGlyGlyArgGlyGlyTrpIleThrArgSerGlyAspXaaXaaXaaXaaLysLysLysLysLysLysLysLysPheGluGlu.
Molecular consequence: inframe insertion.
Genome position: GRCh38: chr5:71,652,711-71,652,726. GRCh37 (hg19): chr5:70,948,538-70,948,553.
Other names: c.1432_1433insGGCCGGGCGCGGGGGCTCACGCTTGTAATCCCAGCACTTTGGGAGGCCGAGGCGGGTGGATCACGAGGTCGGGAGATNNNNNNNNNNAAAAAAAAAAAAAAAAAAAAAAGAAGTTTGAAGAGG, p.Glu477_Glu478insGlyProGlyAlaGlyAlaHisAlaCysAsnProSerThrLeuGlyGlyArgGlyGlyTrpIleThrArgSerGlyAspXaaXaaXaaXaaLysLysLysLysLysLysLysLysPheGluGlu (NM_001363147.1).
Identifiers: ClinVar variation 1433768 (VCV001433768.6).

ClinVar aggregate classification (germline): Pathogenic (1 of 4 stars; one submission).

Conditions:
3-methylcrotonyl-CoA carboxylase 2 deficiency. Also called: 3 alpha methylcrotonyl-CoA carboxylase 2 deficiency; 3 alpha methylcrotonylglycinuria 2; MCC 2 deficiency; Methylcrotonylglycinuria type 2; METHYLCROTONYLGLYCINURIA, TYPE II. Identifiers: Orphanet 6, MedGen C1859499, MONDO:0008862, OMIM 210210.

Submission:

Labcorp Genetics (formerly Invitae), Labcorp
Classification: Pathogenic for 3-methylcrotonyl-CoA carboxylase 2 deficiency. Last evaluated: 2024-02-14. Review status: criteria provided, single submitter. Criteria: Invitae Variant Classification Sherloc (09022015). Collection method: clinical testing. Allele origin: germline.
Comment: This sequence change inserts a large fragment of DNA, likely a transposable element, in exon 16 of the MCCC2 gene (c.1546_1547ins?), causing a frameshift at codon 515 (p.Glu515fs). The exact size and sequence of the insertion cannot be determined by the current assay. However, the insertion is expected to result in an absent or disrupted protein product. This variant is not present in population databases (gnomAD no frequency). This variant has not been reported in the literature in individuals affected with MCCC2-related conditions. Algorithms developed to predict the effect of sequence changes on RNA splicing suggest that this variant may disrupt the consensus splice site. This variant disrupts a region of the MCCC2 protein in which other variant(s) (p.Tyr520Ser) have been determined to be pathogenic (PMID: 21071250; Invitae). This suggests that this is a clinically significant region of the protein, and that variants that disrupt it are likely to be disease-causing. Retrotransposon insertions including LINE1 (L1), Alu, and SVA (SINE-VNTR-Alu) have been reported to disrupt protein function (PMID: 19763152, 20307669, 22406018). However the effect of this particular variant is unknown. For these reasons, this variant has been classified as Pathogenic.

Literature cited by the submitters: PubMed 21071250; PubMed 19763152; PubMed 20307669; PubMed 22406018.